The following is an entry in ClinVar:

NM_006231.4(POLE):c.1693G>C (p.Ala565Pro)

Gene: POLE (DNA polymerase epsilon, catalytic subunit; minus strand). Cytogenetic location: 12q24.33.
Variant type: single nucleotide variant.
Coding change: c.1693G>C on transcript NM_006231.4 (MANE Select); coding-DNA position 1693, G replaced by C.
Protein change: p.Ala565Pro; replaces alanine 565 with proline.
Molecular consequence: missense variant.
Genome position (GRCh38, 1-based): chr12:132,672,316, C>G on the plus strand (G>C on the coding strand, the complement: POLE is on the minus strand). VCF-style: chr12-132672316-C-G. GRCh37 (hg19) VCF-style: chr12-133248902-C-G.
Other names: c.1693G>C (NM_006231.2); short protein forms A565P.
Identifiers: ClinVar variation 639811 (VCV000639811.7), dbSNP rs747247890, ClinGen allele CA387356412.

ClinVar aggregate classification (germline): Uncertain significance. Review status: criteria provided, multiple submitters, no conflicts (2 of 4 stars). 2 submissions from 2 submitters: Uncertain significance (2). Last evaluated 2026-07-10.

Conditions:
Hereditary cancer-predisposing syndrome. Also called: Neoplastic Syndromes, Hereditary; Hereditary Cancer Syndrome; Hereditary neoplastic syndrome; Tumor predisposition. Identifiers: Orphanet 140162, MedGen C0027672, MeSH D009386, MONDO:0015356.

Allele frequency attached by ClinVar (database versions not stated): gnomAD exomes below 0.00001; TOPMed below 0.00001.
gnomAD v4.1: 1 of 1,613,806 alleles (0.000062%); highest among the groups gnomAD compares: Admixed American, 0.0017%; no homozygotes.

Submissions (2):

Ambry Genetics
Classification: Uncertain significance for Hereditary cancer-predisposing syndrome. Last evaluated: 2026-07-10. Review status: criteria provided, single submitter. Criteria: Ambry Variant Classification Scheme 2023. Collection method: clinical testing. Allele origin: germline.
Comment: The p.A565P variant (also known as c.1693G>C), located in coding exon 16 of the POLE gene, results from a G to C substitution at nucleotide position 1693. The alanine at codon 565 is replaced by proline, an amino acid with highly similar properties. This amino acid position is conserved. In addition, the in silico prediction for this alteration is inconclusive. Based on the available evidence, the clinical significance of this variant remains unclear.

Labcorp Genetics (formerly Invitae), Labcorp
Classification: Uncertain significance. Last evaluated: 2024-07-19. Review status: criteria provided, single submitter. Criteria: Invitae Variant Classification Sherloc (09022015). Collection method: clinical testing. Allele origin: germline.
Comment: This sequence change replaces alanine, which is neutral and non-polar, with proline, which is neutral and non-polar, at codon 565 of the POLE protein (p.Ala565Pro). This variant is present in population databases (no rsID available, gnomAD 0.003%). This variant has not been reported in the literature in individuals affected with POLE-related conditions. ClinVar contains an entry for this variant (Variation ID: 639811). Advanced modeling of protein sequence and biophysical properties (such as structural, functional, and spatial information, amino acid conservation, physicochemical variation, residue mobility, and thermodynamic stability) performed at Invitae indicates that this missense variant is not expected to disrupt POLE protein function with a negative predictive value of 80%. In summary, the available evidence is currently insufficient to determine the role of this variant in disease. Therefore, it has been classified as a Variant of Uncertain Significance.